The following is an entry in ClinVar:

NM_005732.4(RAD50):c.1573A>G (p.Met525Val)

Gene: RAD50 (RAD50 double strand break repair protein; plus strand). Cytogenetic location: 5q31.1.
Variant type: single nucleotide variant.
Coding change: c.1573A>G on transcript NM_005732.4 (MANE Select); coding-DNA position 1573, A replaced by G.
Protein change: p.Met525Val; replaces methionine 525 with valine.
Molecular consequence: missense variant.
Genome position (GRCh38, 1-based): chr5:132,591,344, A>G. VCF-style: chr5-132591344-A-G. GRCh37 (hg19) VCF-style: chr5-131927036-A-G.
Other names: short protein forms M525V.
Identifiers: ClinVar variation 819560 (VCV000819560.4), dbSNP rs1418892808, ClinGen allele CA360945956.

ClinVar aggregate classification (germline): Uncertain significance (1 of 4 stars; one submission).

Conditions:
Hereditary cancer-predisposing syndrome. Also called: Neoplastic Syndromes, Hereditary; Tumor predisposition; Hereditary Cancer Syndrome; Hereditary neoplastic syndrome. Identifiers: Orphanet 140162, MedGen C0027672, MeSH D009386, MONDO:0015356.

Allele frequency attached by ClinVar (database versions not stated): gnomAD exomes below 0.00001.

Submission:

Ambry Genetics
Classification: Uncertain significance for Hereditary cancer-predisposing syndrome. Last evaluated: 2018-05-10. Review status: criteria provided, single submitter. Criteria: Ambry Variant Classification Scheme 2023. Collection method: clinical testing. Allele origin: germline.
Comment: The p.M525V variant (also known as c.1573A>G), located in coding exon 10 of the RAD50 gene, results from an A to G substitution at nucleotide position 1573. The methionine at codon 525 is replaced by valine, an amino acid with highly similar properties. This amino acid position is highly conserved in available vertebrate species. In addition, this alteration is predicted to be deleterious by in silico analysis. Since supporting evidence is limited at this time, the clinical significance of this alteration remains unclear.